The following is an entry in ClinVar:

ClinVar aggregate classification (germline): Uncertain significance (1 of 4 stars; one submission).

Conditions:
Charcot-Marie-Tooth disease dominant intermediate C (CMTDIC). Also called: CHARCOT-MARIE-TOOTH NEUROPATHY, DOMINANT INTERMEDIATE C. Identifiers: Orphanet 100045, MedGen C1842237, MONDO:0012012, OMIM 608323.

Allele frequency attached by ClinVar (database versions not stated): gnomAD exomes below 0.00001.
gnomAD v4.1: 1 of 1,614,062 alleles (0.000062%); highest among the groups gnomAD compares: Non-Finnish European, 0.000085%; no homozygotes.

Submission:

Labcorp Genetics (formerly Invitae), Labcorp
Classification: Uncertain significance for Charcot-Marie-Tooth disease dominant intermediate C. Last evaluated: 2023-11-13. Review status: criteria provided, single submitter. Criteria: Invitae Variant Classification Sherloc (09022015). Collection method: clinical testing. Allele origin: germline.
Comment: This sequence change replaces serine, which is neutral and polar, with glycine, which is neutral and non-polar, at codon 224 of the YARS protein (p.Ser224Gly). This variant is not present in population databases (gnomAD no frequency). This variant has not been reported in the literature in individuals affected with YARS-related conditions. ClinVar contains an entry for this variant (Variation ID: 2148059). Advanced modeling of protein sequence and biophysical properties (such as structural, functional, and spatial information, amino acid conservation, physicochemical variation, residue mobility, and thermodynamic stability) performed at Invitae indicates that this missense variant is expected to disrupt YARS protein function with a positive predictive value of 80%. In summary, the available evidence is currently insufficient to determine the role of this variant in disease. Therefore, it has been classified as a Variant of Uncertain Significance.

NM_003680.4(YARS1):c.670A>G (p.Ser224Gly)

Gene: YARS1 (tyrosyl-tRNA synthetase 1; minus strand). Cytogenetic location: 1p35.1.
Variant type: single nucleotide variant.
Coding change: c.670A>G on transcript NM_003680.4 (MANE Select); coding-DNA position 670, A replaced by G.
Protein change: p.Ser224Gly; replaces serine 224 with glycine.
Molecular consequence: missense variant.
Genome position (GRCh38, 1-based): chr1:32,791,176, T>C on the plus strand (A>G on the coding strand, the complement: YARS1 is on the minus strand). VCF-style: chr1-32791176-T-C. GRCh37 (hg19) VCF-style: chr1-33256777-T-C.
Other names: short protein forms S224G.
Identifiers: ClinVar variation 2148059 (VCV002148059.4), dbSNP rs2523383661, ClinGen allele CA339686305.